The following is an entry in ClinVar:

ClinVar aggregate classification (germline): Benign. Review status: reviewed by expert panel (3 of 4 stars). 29 submissions from 22 submitters: Benign (1). 28 of the submissions do not count toward it. Last evaluated 2025-11-11.

Conditions:
Myosin storage myopathy (CMYO7A). Also called: MYH7-related late-onset scapuloperoneal muscular dystrophy; Congenital myopathy 7A, myosin storage, autosomal dominant; Scapuloperoneal myopathy, MYH7-related; MYOPATHY WITH LYSIS OF TYPE I MYOFIBRILS; SCAPULOPERONEAL MUSCULAR DYSTROPHY; SCAPULOPERONEAL SYNDROME, MYOPATHIC TYPE. Identifiers: Orphanet 437572, Orphanet 636965, MedGen C1842160, MONDO:0008409, OMIM 608358.
Cardiovascular phenotype. Identifiers: MedGen CN230736.
Cardiomyopathy (CMYO). Also called: Cardiomyopathies. Identifiers: Orphanet 167848, MedGen C0878544, MONDO:0004994, HP:0001638. Inheritance: Various modes of inheritance.
Myopathy, myosin storage, autosomal recessive (CMYO7B). Also called: CONGENITAL MYOPATHY 7B, MYOSIN STORAGE, AUTOSOMAL RECESSIVE. Identifiers: Orphanet 636970, MedGen C1850709, MONDO:0009708, OMIM 255160.
Hypertrophic cardiomyopathy 1 (CMH1). Also called: Familial hypertrophic cardiomyopathy 1; MYH7-Related Familial Hypertrophic Cardiomyopathy. Identifiers: MedGen C3495498, MONDO:0008647, OMIM 192600.
MYH7-related skeletal myopathy. Also called: Laing early-onset distal myopathy; MYOPATHY, DISTAL, EARLY-ONSET, AUTOSOMAL DOMINANT; MYOPATHY, LATE DISTAL HEREDITARY; Myopathy, distal, 1; Laing distal myopathy. Identifiers: Orphanet 59135, MedGen C4552004, MONDO:0008050, OMIM 160500.
Dilated cardiomyopathy 1S (CMD1S). Identifiers: Orphanet 154, Orphanet 54260, MedGen C1834481, MONDO:0013262, OMIM 613426.
Hypertrophic cardiomyopathy. Also called: HYPERTROPHIC MYOCARDIOPATHY. Identifiers: Orphanet 217569, MedGen C0007194, MeSH D002312, MONDO:0005045, HP:0001639.

Allele frequency attached by ClinVar (database versions not stated): gnomAD exomes 0.48110 and 0.48136; ExAC 0.48885; gnomAD 0.51373 and 0.51584; 1000 Genomes Project 30x 0.51452; 1000 Genomes Project 0.52037; TOPMed 0.52121; ESP Exome Variant Server 0.52753.
gnomAD v4.1: 782,327 of 1,613,538 alleles (48%); highest among the groups gnomAD compares: African/African-American, 63%; 192,482 homozygotes.

Submissions 1 to 21 of 29:

ClinGen Cardiomyopathy Variant Curation Expert Panel
Classification: Benign for Hypertrophic cardiomyopathy. Last evaluated: 2025-11-11. Review status: reviewed by expert panel. Criteria: ClinGen CMP ACMG Specifications v1. Collection method: curation. Allele origin: germline. Inheritance: Autosomal dominant inheritance.
Comment: The filtering allele frequency of the c.189C>T (p.Thr63=) variant in the MYH7 gene is 61.57% (6532/10394) of African chromosomes by the Exome Aggregation Consortium, which is a high enough frequency to be classified as benign based on thresholds defined by the ClinGen Inherited Cardiomyopathy Expert Panel (BA1; PMID:29300372).

Labcorp Genetics (formerly Invitae), Labcorp
Classification: Benign for Hypertrophic cardiomyopathy. Last evaluated: 2026-02-04. Review status: criteria provided, single submitter. Criteria: Invitae Variant Classification Sherloc (09022015). Collection method: clinical testing. Allele origin: germline. Not counted in ClinVar's aggregate classification.

Molecular Diagnostic Laboratory for Inherited Cardiovascular Disease, Montreal Heart Institute
Classification: Benign. Last evaluated: 2025-04-09. Review status: criteria provided, single submitter. Criteria: ACMG Guidelines, 2015. Collection method: clinical testing. Allele origin: germline. Affected: no. Not counted in ClinVar's aggregate classification.

Laboratory of Genetics, Children's Clinical University Hospital Latvia
Classification: Benign. Last evaluated: 2025-02-16. Review status: criteria provided, single submitter. Criteria: ACMG Guidelines, 2015. Collection method: clinical testing. Allele origin: germline. Affected: yes. Not counted in ClinVar's aggregate classification.

Blueprint Genetics
Classification: Benign. Last evaluated: 2024-11-27. Review status: criteria provided, single submitter. Criteria: ACMG Guidelines, 2015. Collection method: clinical testing. Allele origin: germline. Not counted in ClinVar's aggregate classification.

Cohesion Phenomics
Classification: Benign for Cardiomyopathy. Last evaluated: 2022-10-10. Review status: criteria provided, single submitter. Criteria: ACMG Guidelines, 2015. Collection method: clinical testing. Allele origin: germline. Affected: yes. Not counted in ClinVar's aggregate classification.

Genome-Nilou Lab
Classification: Benign for Dilated cardiomyopathy 1S. Last evaluated: 2021-09-05. Review status: criteria provided, single submitter. Criteria: ACMG Guidelines, 2015. Collection method: clinical testing. Allele origin: germline. Affected: no. Not counted in ClinVar's aggregate classification.

Genome-Nilou Lab
Classification: Benign for Myopathy, myosin storage, autosomal recessive. Last evaluated: 2021-09-05. Review status: criteria provided, single submitter. Criteria: ACMG Guidelines, 2015. Collection method: clinical testing. Allele origin: germline. Affected: no. Not counted in ClinVar's aggregate classification.

Genome-Nilou Lab
Classification: Benign for Myosin storage myopathy. Last evaluated: 2021-09-05. Review status: criteria provided, single submitter. Criteria: ACMG Guidelines, 2015. Collection method: clinical testing. Allele origin: germline. Affected: no. Not counted in ClinVar's aggregate classification.

Genome-Nilou Lab
Classification: Benign for MYH7-related skeletal myopathy. Last evaluated: 2021-09-05. Review status: criteria provided, single submitter. Criteria: ACMG Guidelines, 2015. Collection method: clinical testing. Allele origin: germline. Affected: no. Not counted in ClinVar's aggregate classification.

Color Diagnostics, LLC DBA Color Health
Classification: Benign for Cardiomyopathy. Last evaluated: 2018-03-15. Review status: criteria provided, single submitter. Criteria: ACMG Guidelines, 2015. Collection method: clinical testing. Allele origin: germline. Not counted in ClinVar's aggregate classification.

Illumina Laboratory Services, Illumina
Classification: Benign for Dilated cardiomyopathy 1S. Last evaluated: 2018-01-12. Review status: criteria provided, single submitter. Criteria: ICSL Variant Classification Criteria 13 December 2019. Collection method: clinical testing. Allele origin: germline. Not counted in ClinVar's aggregate classification.
Comment: This variant was observed in the ICSL laboratory as part of a predisposition screen in an ostensibly healthy population. It had not been previously curated by ICSL or reported in the Human Gene Mutation Database (HGMD: prior to June 1st, 2018), and was therefore a candidate for classification through an automated scoring system. Utilizing variant allele frequency, disease prevalence and penetrance estimates, and inheritance mode, an automated score was calculated to assess if this variant is too frequent to cause the disease. Based on the score and internal cut-off values, a variant classified as benign is not then subjected to further curation. The score for this variant resulted in a classification of benign for this disease.

Illumina Laboratory Services, Illumina
Classification: Benign for MYH7-related skeletal myopathy. Last evaluated: 2018-01-12. Review status: criteria provided, single submitter. Criteria: ICSL Variant Classification Criteria 13 December 2019. Collection method: clinical testing. Allele origin: germline. Not counted in ClinVar's aggregate classification.
Comment: the same text as in the submission from Illumina Laboratory Services, Illumina above.

Illumina Laboratory Services, Illumina
Classification: Benign for Hypertrophic cardiomyopathy 1. Last evaluated: 2018-01-12. Review status: criteria provided, single submitter. Criteria: ICSL Variant Classification Criteria 13 December 2019. Collection method: clinical testing. Allele origin: germline. Not counted in ClinVar's aggregate classification.
Comment: the same text as in the submission from Illumina Laboratory Services, Illumina above.

Illumina Laboratory Services, Illumina
Classification: Benign for Myosin storage myopathy. Last evaluated: 2018-01-12. Review status: criteria provided, single submitter. Criteria: ICSL Variant Classification Criteria 13 December 2019. Collection method: clinical testing. Allele origin: germline. Not counted in ClinVar's aggregate classification.
Comment: the same text as in the submission from Illumina Laboratory Services, Illumina above.

Mayo Clinic Laboratories, Mayo Clinic
Classification: Benign. Last evaluated: 2017-07-18. Review status: criteria provided, single submitter. Criteria: ACMG Guidelines, 2015. Collection method: clinical testing. Allele origin: germline. Observed: 1,823 variant alleles. Not counted in ClinVar's aggregate classification.

Ambry Genetics
Classification: Benign for Cardiovascular phenotype. Last evaluated: 2015-06-12. Review status: criteria provided, single submitter. Criteria: Ambry Variant Classification Scheme 2023. Collection method: clinical testing. Allele origin: germline. Not counted in ClinVar's aggregate classification.

Genetic Services Laboratory, University of Chicago
Classification: Benign for AllHighlyPenetrant. Last evaluated: 2013-08-15. Review status: criteria provided, single submitter. Criteria: ACMG Guidelines, 2007. Collection method: clinical testing. Allele origin: germline. Inheritance: Autosomal dominant inheritance. Not counted in ClinVar's aggregate classification.

GeneDx
Classification: Benign. Last evaluated: 2012-09-25. Review status: criteria provided, single submitter. Criteria: GeneDx Variant Classification (06012015). Collection method: clinical testing. Allele origin: germline. Affected: yes. Not counted in ClinVar's aggregate classification.
Comment: This variant is considered likely benign or benign based on one or more of the following criteria: it is a conservative change, it occurs at a poorly conserved position in the protein, it is predicted to be benign by multiple in silico algorithms, and/or has population frequency not consistent with disease.

Laboratory for Molecular Medicine, Mass General Brigham Personalized Medicine
Classification: Benign. Last evaluated: 2011-07-29. Review status: criteria provided, single submitter. Criteria: LMM Criteria. Collection method: clinical testing. Allele origin: germline. Observed: 2,088 variant alleles. Not counted in ClinVar's aggregate classification.
Comment: This variant is classified as benign because it does not change the amino acid a nd is frequent in the general population (rs2069540 , MAF >1%).

Breakthrough Genomics
Classification: Benign. Review status: criteria provided, single submitter. Criteria: ACMG Guidelines, 2015. Collection method: not provided. Allele origin: germline. Inheritance: Autosomal recessive inheritance. Affected: yes. Not counted in ClinVar's aggregate classification.

NM_000257.4(MYH7):c.189C>T (p.Thr63=)

Gene: MYH7 (myosin heavy chain 7; minus strand). Cytogenetic location: 14q11.2.
Variant type: single nucleotide variant.
Coding change: c.189C>T on transcript NM_000257.4 (MANE Select); coding-DNA position 189, C replaced by T.
Protein change: p.Thr63=; no amino-acid change (threonine 63 retained).
Molecular consequence: synonymous variant.
Genome position (GRCh38, 1-based): chr14:23,433,544, G>A on the plus strand (C>T on the coding strand, the complement: MYH7 is on the minus strand). VCF-style: chr14-23433544-G-A. GRCh37 (hg19) VCF-style: chr14-23902753-G-A.
Other names: p.T63T:ACC>ACT; NM_000257.3(MYH7):c.189C>T.
Identifiers: ClinVar variation 42869 (VCV000042869.48), dbSNP rs2069540, ClinGen allele CA011440.